The following is an entry in ClinVar:

NM_001130438.3(SPTAN1):c.1330G>A (p.Val444Ile)

Gene: SPTAN1 (spectrin alpha, non-erythrocytic 1; plus strand). Cytogenetic location: 9q34.11.
Variant type: single nucleotide variant.
Coding change: c.1330G>A on transcript NM_001130438.3 (MANE Select); coding-DNA position 1330, G replaced by A.
Protein change: p.Val444Ile; replaces valine 444 with isoleucine.
Molecular consequence: missense variant.
Genome position (GRCh38, 1-based): chr9:128,580,928, G>A. VCF-style: chr9-128580928-G-A. GRCh37 (hg19) VCF-style: chr9-131343207-G-A.
Other names: p.V444I:GTC>ATC; p.Val444Ile; c.1330G>A, p.Val444Ile (NM_001195532.2, NM_001363759.2, NM_001363765.2 and 1 more transcripts); short protein forms V444I.
Identifiers: ClinVar variation 139269 (VCV000139269.61), dbSNP rs77358650, ClinGen allele CA173535.

ClinVar aggregate classification (germline): Benign. Review status: criteria provided, multiple submitters, no conflicts (2 of 4 stars). 12 submissions from 12 submitters: Benign (10). 2 of the submissions do not count toward it. Last evaluated 2026-02-03.

Conditions:
Early-infantile DEE. Also called: Early infantile epileptic encephalopathy; Early infantile epileptic encephalopathy with suppression bursts; Ohtahara syndrome. Identifiers: Orphanet 1934, MedGen C0393706, MONDO:0800491.
Inborn genetic diseases. Identifiers: MedGen C0950123, MeSH D030342.
Developmental and epileptic encephalopathy, 5 (DEE5). Identifiers: Orphanet 3451, MedGen C3150731, MONDO:0013277, OMIM 613477.
Abnormal brain morphology. Also called: Abnormality of brain morphology. Identifiers: MedGen C4021085, HP:0012443.

Allele frequency attached by ClinVar (database versions not stated): ESP Exome Variant Server 0.00062; gnomAD 0.00127 and 0.00283; TOPMed 0.00165; gnomAD exomes 0.00307 and 0.00522; ExAC 0.00567; 1000 Genomes Project 30x 0.01733; 1000 Genomes Project 0.01757.
gnomAD v4.1: 5,034 of 1,612,962 alleles (0.31%); highest among the groups gnomAD compares: East Asian, 5.2%; 142 homozygotes.

Submissions (12):

Labcorp Genetics (formerly Invitae), Labcorp
Classification: Benign for Early-infantile DEE. Last evaluated: 2026-02-03. Review status: criteria provided, single submitter. Criteria: Invitae Variant Classification Sherloc (09022015). Collection method: clinical testing. Allele origin: germline.

ARUP Laboratories, Molecular Genetics and Genomics, ARUP Laboratories
Classification: Benign. Last evaluated: 2025-07-17. Review status: criteria provided, single submitter. Criteria: ARUP Molecular Germline Variant Investigation Process 2024. Collection method: clinical testing. Allele origin: germline.

CeGaT Center for Human Genetics Tuebingen
Classification: Benign. Last evaluated: 2024-06-01. Review status: criteria provided, single submitter. Criteria: CeGaT Center For Human Genetics Tuebingen Variant Classification Criteria Version 2. Collection method: clinical testing. Allele origin: germline. Affected: yes. Observed: 11 variant alleles.
Comment: SPTAN1: BP4, BS1, BS2

Mayo Clinic Laboratories, Mayo Clinic
Classification: Benign. Last evaluated: 2023-06-05. Review status: criteria provided, single submitter. Criteria: ACMG Guidelines, 2015. Collection method: clinical testing. Allele origin: germline. Observed: 4 variant alleles.
Comment: BS1, BS2, BP4

Genome-Nilou Lab
Classification: Benign for Developmental and epileptic encephalopathy, 5. Last evaluated: 2021-07-15. Review status: criteria provided, single submitter. Criteria: ACMG Guidelines, 2015. Collection method: clinical testing. Allele origin: germline. Affected: no.

Mendelics
Classification: Benign for Developmental and epileptic encephalopathy, 5. Last evaluated: 2019-05-28. Review status: criteria provided, single submitter. Criteria: Mendelics Assertion Criteria 2017. Collection method: clinical testing. Allele origin: unknown.

GeneDx
Classification: Benign. Last evaluated: 2018-11-16. Review status: criteria provided, single submitter. Criteria: GeneDx Variant Classification Process June 2021. Collection method: clinical testing. Allele origin: germline. Affected: yes.
Comment: This variant is associated with the following publications: (PMID: 26539891, 31180159)

Ambry Genetics
Classification: Benign for Inborn genetic diseases. Last evaluated: 2017-02-10. Review status: criteria provided, single submitter. Criteria: Ambry Variant Classification Scheme 2023. Collection method: clinical testing. Allele origin: germline.

Genetic Services Laboratory, University of Chicago
Classification: Benign. Last evaluated: 2016-02-08. Review status: criteria provided, single submitter. Criteria: ACMG Guidelines, 2015. Collection method: clinical testing. Allele origin: germline. Affected: no.

Eurofins Ntd Llc (ga)
Classification: Benign. Last evaluated: 2015-11-19. Review status: criteria provided, single submitter. Criteria: EGL Classification Definitions 2015. Collection method: clinical testing. Allele origin: germline. Observed: 2 variant alleles, 2 heterozygotes.

Department of Pathology and Laboratory Medicine, Sinai Health System
Classification: Uncertain significance. Review status: no assertion criteria provided. Collection method: clinical testing. Allele origin: unknown. Affected: yes. Study: The Canadian Open Genetics Repository (COGR). Not counted in ClinVar's aggregate classification.

Lupski Lab, Baylor-Hopkins CMG, Baylor College of Medicine
Classification: Likely pathogenic for Abnormal brain morphology. Review status: flagged submission. Criteria: Karaca et al. (Neuron 2015). Collection method: research. Allele origin: inherited. Inheritance: Autosomal recessive inheritance. Affected: yes. Not counted in ClinVar's aggregate classification.
ClinVar note: Reason: Outlier claim with insufficient supporting evidence

Literature cited by the submitters: PubMed 26539891 (cited by Mayo Clinic Laboratories, Mayo Clinic); PubMed 31180159 (cited by Mayo Clinic Laboratories, Mayo Clinic).